The following is an entry in ClinVar:

ClinVar aggregate classification (germline): Uncertain significance. Review status: criteria provided, multiple submitters, no conflicts (2 of 4 stars). 2 submissions from 2 submitters: Uncertain significance (2). Last evaluated 2025-09-15.

Conditions:
TTC21B-related disorder. Also called: TTC21B-related condition; TTC21B-related disorders.
Nephronophthisis. Also called: Juvenile Nephronophthisis. Identifiers: Orphanet 655, MedGen C0687120, MONDO:0019005, HP:0000090.
Jeune thoracic dystrophy. Also called: Jeune syndrome; Infantile thoracic dystrophy; Thoracic pelvic phalangeal dystrophy; Jeune's syndrome; Chondroectodermal dysplasia-like syndrome; Short-rib thoracic dysplasia. Identifiers: Orphanet 474, MedGen C0265275, MONDO:0018770.

Allele frequency attached by ClinVar (database versions not stated): gnomAD exomes below 0.00001; TOPMed 0.00001.
gnomAD v4.1: 2 of 1,614,166 alleles (0.00012%); highest among the groups gnomAD compares: East Asian, 0.0022%; no homozygotes.

Submissions (2):

Labcorp Genetics (formerly Invitae), Labcorp
Classification: Uncertain significance for Jeune thoracic dystrophy; Nephronophthisis. Last evaluated: 2025-09-15. Review status: criteria provided, single submitter. Criteria: Invitae Variant Classification Sherloc (09022015). Collection method: clinical testing. Allele origin: germline.
Comment: This sequence change replaces isoleucine, which is neutral and non-polar, with valine, which is neutral and non-polar, at codon 904 of the TTC21B protein (p.Ile904Val). This variant is present in population databases (no rsID available, gnomAD 0.01%). This variant has not been reported in the literature in individuals affected with TTC21B-related conditions. ClinVar contains an entry for this variant (Variation ID: 2081192). Invitae Evidence Modeling of protein sequence and biophysical properties (such as structural, functional, and spatial information, amino acid conservation, physicochemical variation, residue mobility, and thermodynamic stability) indicates that this missense variant is not expected to disrupt TTC21B protein function with a negative predictive value of 95%. In summary, the available evidence is currently insufficient to determine the role of this variant in disease. Therefore, it has been classified as a Variant of Uncertain Significance.

PreventionGenetics, part of Exact Sciences
Classification: Uncertain significance for TTC21B-related condition. Last evaluated: 2025-02-11. Review status: criteria provided, single submitter. Criteria: ACMG Guidelines, 2015. Collection method: clinical testing. Allele origin: germline.
Comment: The TTC21B c.2710A>G variant is predicted to result in the amino acid substitution p.Ile904Val. To our knowledge, this variant has not been reported in the literature. This variant is reported in 0.011% of alleles in individuals of East Asian descent in gnomAD. At this time, the clinical significance of this variant is uncertain due to the absence of conclusive functional and genetic evidence.

NM_024753.5(TTC21B):c.2710A>G (p.Ile904Val)

Gene: TTC21B (tetratricopeptide repeat domain 21B; minus strand). Cytogenetic location: 2q24.3.
Variant type: single nucleotide variant.
Coding change: c.2710A>G on transcript NM_024753.5 (MANE Select); coding-DNA position 2710, A replaced by G.
Protein change: p.Ile904Val; replaces isoleucine 904 with valine.
Molecular consequence: missense variant.
Genome position (GRCh38, 1-based): chr2:165,901,769, T>C on the plus strand (A>G on the coding strand, the complement: TTC21B is on the minus strand). VCF-style: chr2-165901769-T-C. GRCh37 (hg19) VCF-style: chr2-166758279-T-C.
Other names: c.2710A>G (NM_024753.4); short protein forms I904V.
Identifiers: ClinVar variation 2081192 (VCV002081192.4), dbSNP rs1427045466, ClinGen allele CA349052322.